The following is an entry in ClinVar:

ClinVar aggregate classification (germline): Likely benign (1 of 4 stars; one submission).

Allele frequency attached by ClinVar (database versions not stated): gnomAD exomes 0.00040 and 0.00111; ExAC 0.00137; 1000 Genomes Project 0.00240; 1000 Genomes Project 30x 0.00265; ESP Exome Variant Server 0.00415; gnomAD 0.00418 and 0.00459; TOPMed 0.00465.
gnomAD v4.1: 1,255 of 1,612,642 alleles (0.078%); highest among the groups gnomAD compares: African/African-American, 1.4%; 13 homozygotes.

Submission:

GeneDx
Classification: Likely benign. Last evaluated: 2018-06-14. Review status: criteria provided, single submitter. Criteria: GeneDx Variant Classification (06012015). Collection method: clinical testing. Allele origin: germline. Affected: yes.
Comment: This variant is considered likely benign or benign based on one or more of the following criteria: it is a conservative change, it occurs at a poorly conserved position in the protein, it is predicted to be benign by multiple in silico algorithms, and/or has population frequency not consistent with disease.

NM_000093.5(COL5A1):c.3744+39C>T

Gene: COL5A1 (collagen type V alpha 1 chain; plus strand). Cytogenetic location: 9q34.3.
Variant type: single nucleotide variant.
Coding change: c.3744+39C>T on transcript NM_000093.5 (MANE Select); 39 bases into the intron after coding-DNA position 3744, C replaced by T.
Molecular consequence: intron variant.
Genome position (GRCh38, 1-based): chr9:134,812,541, C>T. VCF-style: chr9-134812541-C-T. GRCh37 (hg19) VCF-style: chr9-137704387-C-T.
Other names: c.3744+39C>T (NM_001278074.1).
Identifiers: ClinVar variation 676373 (VCV000676373.1), dbSNP rs192855430, ClinGen allele CA5320007.